The following is an entry in ClinVar:

NM_001114753.3(ENG):c.219+22C>T

Gene: ENG (endoglin; minus strand). Cytogenetic location: 9q34.11.
Variant type: single nucleotide variant.
Coding change: c.219+22C>T on transcript NM_001114753.3 (MANE Select); 22 bases into the intron after coding-DNA position 219, C replaced by T.
Molecular consequence: intron variant.
Genome position (GRCh38, 1-based): chr9:127,843,072, G>A on the plus strand (C>T on the coding strand, the complement: ENG is on the minus strand). VCF-style: chr9-127843072-G-A. GRCh37 (hg19) VCF-style: chr9-130605351-G-A.
Other names: c.219+22C>T (NM_000118.4, NM_001406715.1); c.-328+22C>T (NM_001278138.2).
Identifiers: ClinVar variation 237026 (VCV000237026.57), dbSNP rs370257876, ClinGen allele CA5253205.

ClinVar aggregate classification (germline): Conflicting classifications of pathogenicity. Review status: criteria provided, conflicting classifications (1 of 4 stars). 5 submissions from 5 submitters: Uncertain significance (1); Benign (2); Likely benign (2). Last evaluated 2026-09-01.

Conditions:
Hereditary hemorrhagic telangiectasia (HHT). Also called: Osler hemorrhagic telangiectasia syndrome; ORW DISEASE; Osler Weber Rendu syndrome; OSLER-RENDU-WEBER DISEASE. Identifiers: Orphanet 774, MedGen C0039445, MONDO:0019180. Disease mechanism: loss of function.
Telangiectasia, hereditary hemorrhagic, type 1 (HHT1). Also called: Osler Weber Rendu syndrome type 1; ENG-Related Hereditary Hemorrhagic Telangiectasia. Identifiers: Orphanet 774, MedGen C4551861, MONDO:0008535, OMIM 187300. Disease mechanism: loss of function.

Allele frequency attached by ClinVar (database versions not stated): gnomAD 0.00073; TOPMed 0.00073; ESP Exome Variant Server 0.00131.
gnomAD v4.1: 1,477 of 1,613,478 alleles (0.092%); highest among the groups gnomAD compares: Non-Finnish European, 0.12%; no homozygotes.

Submissions (5):

CeGaT Center for Human Genetics Tuebingen
Classification: Likely benign. Last evaluated: 2026-09-01. Review status: criteria provided, single submitter. Criteria: CeGaT Center For Human Genetics Tuebingen Variant Classification Criteria Version 2. Collection method: clinical testing. Allele origin: germline. Affected: yes. Observed: 2 variant alleles.
Comment: ENG: BS1

Labcorp Genetics (formerly Invitae), Labcorp
Classification: Benign for Hereditary hemorrhagic telangiectasia. Last evaluated: 2025-07-30. Review status: criteria provided, single submitter. Criteria: Invitae Variant Classification Sherloc (09022015). Collection method: clinical testing. Allele origin: germline.

ARUP Laboratories, Molecular Genetics and Genomics, ARUP Laboratories
Classification: Benign for Telangiectasia, hereditary hemorrhagic, type 1. Last evaluated: 2025-04-09. Review status: criteria provided, single submitter. Criteria: ARUP Molecular Germline Variant Investigation Process 2024. Collection method: clinical testing. Allele origin: germline.

NIHR Bioresource Rare Diseases, University of Cambridge
Classification: Uncertain significance for Telangiectasia, hereditary hemorrhagic, type 1. Last evaluated: 2018-01-01. Review status: criteria provided, single submitter. Criteria: ACMG Guidelines, 2015. Collection method: research. Allele origin: unknown. Affected: yes. Observed: 1 variant allele.
Comment: PM2+PP4

Laboratory for Molecular Medicine, Mass General Brigham Personalized Medicine
Classification: Likely benign. Last evaluated: 2016-04-25. Review status: criteria provided, single submitter. Criteria: LMM Criteria. Collection method: clinical testing. Allele origin: germline.
Comment: Variant identified in a genome or exome case(s) and assessed due to predicted null impact of the variant or pathogenic assertions in the literature or databases. Disclaimer: This variant has not undergone full assessment. The following are preliminary notes: Intronic outside of splice consensus; 1 paper in HGMD; ExAC: 0.1% (68/66404) European

Literature cited by the submitters: PubMed 32573726 (cited by NIHR Bioresource Rare Diseases, University of Cambridge).